The following is an entry in ClinVar:

ClinVar aggregate classification (germline): Uncertain significance (1 of 4 stars; one submission).

Conditions:
Usher syndrome type 2C. Also called: Usher syndrome, type 2B; USHER SYNDROME, TYPE IIC. Identifiers: Orphanet 231178, Orphanet 886, MedGen C2931213, MONDO:0011558, OMIM 605472.

gnomAD v4.1: 2 of 1,557,256 alleles (0.00013%); highest among the groups gnomAD compares: East Asian, 0.0024%; no homozygotes.

Submission:

Dubai Health Genomic Medicine Center, Dubai Health
Classification: Uncertain significance for Usher syndrome type 2C. Last evaluated: 2021-01-25. Review status: criteria provided, single submitter. Criteria: ACMG Guidelines, 2015. Collection method: clinical testing. Allele origin: germline. Affected: yes.
Comment: The p.Ile172Phe missense variant in ADGRV1 has not been previously reported in affected individuals and was absent from large population studies such as the Genome Aggregation Database (gnomAD) and the Greater Middle East (GME) variome database. Computational prediction tools and conservation analyses do not provide evidence for or against pathogenicity. In summary additional information is needed to fully assess the clinical significance of this variant.

NM_032119.4(ADGRV1):c.514A>T (p.Ile172Phe)

Gene: ADGRV1 (adhesion G protein-coupled receptor V1; plus strand). Cytogenetic location: 5q14.3.
Variant type: single nucleotide variant.
Coding change: c.514A>T on transcript NM_032119.4 (MANE Select); coding-DNA position 514, A replaced by T.
Protein change: p.Ile172Phe; replaces isoleucine 172 with phenylalanine.
Molecular consequence: missense variant. On other transcripts: non-coding transcript variant (1).
Genome position (GRCh38, 1-based): chr5:90,622,657, A>T. VCF-style: chr5-90622657-A-T. GRCh37 (hg19) VCF-style: chr5-89918474-A-T.
Other names: short protein forms I172F.
Identifiers: ClinVar variation 1301791 (VCV001301791.2), dbSNP rs2152065480, ClinGen allele CA360363344.